The following is an entry in ClinVar:

NM_005055.5(RAPSN):c.528C>G (p.Val176=)

Gene: RAPSN (receptor associated protein of the synapse; minus strand). Cytogenetic location: 11p11.2.
Variant type: single nucleotide variant.
Coding change: c.528C>G on transcript NM_005055.5 (MANE Select); coding-DNA position 528, C replaced by G.
Protein change: p.Val176=; no amino-acid change (valine 176 retained).
Molecular consequence: synonymous variant.
Genome position (GRCh38, 1-based): chr11:47,447,815, G>C on the plus strand (C>G on the coding strand, the complement: RAPSN is on the minus strand). VCF-style: chr11-47447815-G-C. GRCh37 (hg19) VCF-style: chr11-47469367-G-C.
Other names: c.528C>G (NM_005055.4); c.528C>G, p.Val176= (NM_032645.5).
Identifiers: ClinVar variation 1146785 (VCV001146785.11), dbSNP rs761149747, ClinGen allele CA5976728.

ClinVar aggregate classification (germline): Likely benign. Review status: criteria provided, single submitter (1 of 4 stars). 2 submissions from 2 submitters: Likely benign (1). 1 of the submissions does not count toward it. Last evaluated 2025-08-18.

Conditions:
RAPSN-related disorder. Also called: RAPSN-related condition; RAPSN-related disorders. Identifiers: MedGen CN239397.
Congenital myasthenic syndrome 11. Also called: MYASTHENIC SYNDROME, CONGENITAL, Ie; Myasthenic syndrome, congenital, 11, associated with acetylcholine receptor deficiency. Identifiers: Orphanet 590, MedGen C4225367, MONDO:0014588, OMIM 616326.
Fetal akinesia deformation sequence 1 (FADS1). Also called: Pena-Shokeir syndrome type I; Fetal akinesia sequence. Identifiers: Orphanet 994, MedGen C1276035, MONDO:0100101, OMIM 208150, HP:0001989.

Allele frequency attached by ClinVar (database versions not stated): ExAC 0.00001; gnomAD 0.00001; TOPMed 0.00001; gnomAD exomes 0.00002.
gnomAD v4.1: 36 of 1,611,098 alleles (0.0022%); highest among the groups gnomAD compares: Non-Finnish European, 0.003%; no homozygotes.

Submissions (2):

Labcorp Genetics (formerly Invitae), Labcorp
Classification: Likely benign for Congenital myasthenic syndrome 11; Fetal akinesia deformation sequence 1. Last evaluated: 2025-08-18. Review status: criteria provided, single submitter. Criteria: Invitae Variant Classification Sherloc (09022015). Collection method: clinical testing. Allele origin: germline.

PreventionGenetics, part of Exact Sciences
Classification: Likely benign for RAPSN-related condition. Last evaluated: 2019-06-11. Review status: no assertion criteria provided. Collection method: clinical testing. Allele origin: germline. Not counted in ClinVar's aggregate classification.
Comment: This variant is classified as likely benign based on ACMG/AMP sequence variant interpretation guidelines (Richards et al. 2015 PMID: 25741868, with internal and published modifications).